The following is an entry in ClinVar:

NM_024675.4(PALB2):c.3301C>G (p.Leu1101Val)

Gene: PALB2 (partner and localizer of BRCA2; minus strand). Cytogenetic location: 16p12.2.
Variant type: single nucleotide variant.
Coding change: c.3301C>G on transcript NM_024675.4 (MANE Select); coding-DNA position 3301, C replaced by G.
Protein change: p.Leu1101Val; replaces leucine 1101 with valine.
Molecular consequence: missense variant. On other transcripts: intron variant (8).
Genome position (GRCh38, 1-based): chr16:23,607,913, G>C on the plus strand (C>G on the coding strand, the complement: PALB2 is on the minus strand). VCF-style: chr16-23607913-G-C. GRCh37 (hg19) VCF-style: chr16-23619234-G-C.
Other names: c.3241C>G, p.Leu1081Val (NM_001407296.1); c.3229C>G, p.Leu1077Val (NM_001407297.1); c.3139C>G, p.Leu1047Val (NM_001407298.1); c.3022C>G, p.Leu1008Val (NM_001407300.1); c.2416C>G, p.Leu806Val (NM_001407304.1, NM_001407305.1, NM_001407306.1); c.2254C>G, p.Leu752Val (NM_001407307.1); c.1513C>G, p.Leu505Val (NM_001407312.1); c.835C>G, p.Leu279Val (NM_001407314.1); and 6 more; short protein forms L1047V, L505V, L1008V, L1101V, L752V, L1077V, L1081V, L279V.
Identifiers: ClinVar variation 2567590 (VCV002567590.4), dbSNP rs1966507273, ClinGen allele CA395139501.
Genomic context (GRCh38, chr16:23,607,913, plus strand): 5'-TGCACACTTGCCTGCCAGCCTGCCCTGGAGGAAGACAGTACAGCATCACACCCACGCTGA[G>C]AGTCGTCTTAGGGTTAATCACAATGAGCTGAAACACAGGGCTTCGCAACGACTCACTCTC-3'
Protein context (NP_078951.2, residues 1091-1111): QLIVINPKTT[Leu1101Val]SVGVMLYCLP

ClinVar aggregate classification (germline): Uncertain significance. Review status: criteria provided, multiple submitters, no conflicts (2 of 4 stars). 2 submissions from 2 submitters: Uncertain significance (2). Last evaluated 2024-10-05.

Conditions:
Hereditary cancer-predisposing syndrome. Also called: Hereditary neoplastic syndrome; Hereditary Cancer Syndrome; Neoplastic Syndromes, Hereditary; Tumor predisposition. Identifiers: Orphanet 140162, MedGen C0027672, MeSH D009386, MONDO:0015356.
Familial cancer of breast. Also called: hereditary breast carcinoma; Hereditary breast cancer; BREAST CANCER, FAMILIAL. Identifiers: Orphanet 227535, MedGen C0346153, MONDO:0016419, OMIM 114480. Disease mechanism: loss of function.

Submissions (2):

Labcorp Genetics (formerly Invitae), Labcorp
Classification: Uncertain significance for Familial cancer of breast. Last evaluated: 2024-10-05. Review status: criteria provided, single submitter. Criteria: Invitae Variant Classification Sherloc (09022015). Collection method: clinical testing. Allele origin: germline.
Comment: This sequence change replaces leucine, which is neutral and non-polar, with valine, which is neutral and non-polar, at codon 1101 of the PALB2 protein (p.Leu1101Val). This variant is not present in population databases (gnomAD no frequency). This variant has not been reported in the literature in individuals affected with PALB2-related conditions. ClinVar contains an entry for this variant (Variation ID: 2567590). An algorithm developed to predict the effect of missense changes on protein structure and function (PolyPhen-2) suggests that this variant is likely to be disruptive. In summary, the available evidence is currently insufficient to determine the role of this variant in disease. Therefore, it has been classified as a Variant of Uncertain Significance.

Ambry Genetics
Classification: Uncertain significance for Hereditary cancer-predisposing syndrome. Last evaluated: 2023-05-19. Review status: criteria provided, single submitter. Criteria: Ambry Variant Classification Scheme 2023. Collection method: clinical testing. Allele origin: germline.
Comment: The p.L1101V variant (also known as c.3301C>G), located in coding exon 12 of the PALB2 gene, results from a C to G substitution at nucleotide position 3301. The leucine at codon 1101 is replaced by valine, an amino acid with highly similar properties. This amino acid position is conserved. In addition, this alteration is predicted to be tolerated by in silico analysis. Since supporting evidence is limited at this time, the clinical significance of this alteration remains unclear.